The following is an entry in ClinVar:

ClinVar aggregate classification (germline): Uncertain significance (1 of 4 stars; one submission).

Allele frequency attached by ClinVar (database versions not stated): gnomAD 0.00001; gnomAD exomes 0.00001; ExAC 0.00002; 1000 Genomes Project 30x 0.00016; 1000 Genomes Project 0.00020.
gnomAD v4.1: 17 of 1,611,622 alleles (0.0011%); highest among the groups gnomAD compares: East Asian, 0.0022%; no homozygotes.

Submission:

Labcorp Genetics (formerly Invitae), Labcorp
Classification: Uncertain significance. Last evaluated: 2025-08-09. Review status: criteria provided, single submitter. Criteria: Invitae Variant Classification Sherloc (09022015). Collection method: clinical testing. Allele origin: germline.
Comment: This sequence change falls in intron 8 of the RASA2 gene. It does not directly change the encoded amino acid sequence of the RASA2 protein. This variant is present in population databases (rs200092967, gnomAD 0.01%). This variant has not been reported in the literature in individuals affected with RASA2-related conditions. ClinVar contains an entry for this variant (Variation ID: 1512095). Algorithms developed to predict the effect of sequence changes on RNA splicing suggest that this variant may disrupt the consensus splice site. In summary, the available evidence is currently insufficient to determine the role of this variant in disease. Therefore, it has been classified as a Variant of Uncertain Significance.

NM_006506.5(RASA2):c.762-8A>G

Gene: RASA2 (RAS p21 protein activator 2; plus strand). Cytogenetic location: 3q23.
Variant type: single nucleotide variant.
Coding change: c.762-8A>G on transcript NM_006506.5 (MANE Select); 8 bases into the intron before coding-DNA position 762, A replaced by G.
Molecular consequence: intron variant.
Genome position (GRCh38, 1-based): chr3:141,559,886, A>G. VCF-style: chr3-141559886-A-G. GRCh37 (hg19) VCF-style: chr3-141278728-A-G.
Other names: c.762-8A>G (NM_001303245.3, NM_001303246.3).
Identifiers: ClinVar variation 1512095 (VCV001512095.6), dbSNP rs200092967, ClinGen allele CA2645313.
Genomic context (GRCh38, chr3:141,559,886, plus strand): 5'-AGCTGTTTTGTGGTGTGAACTCTCTTAAACATTGTTTGCAAAACATAAAGCCAGTTTTCA[A>G]TTTTCAGGATCGACTTGTGGAACAATGGAAACCTAGTCCAAGATGTTTTCCTAGGTGAGA-3'